The following is an entry in ClinVar:

ClinVar aggregate classification (germline): Uncertain significance (0 of 4 stars; one submission).

Conditions:
BBS4-related disorder. Also called: BBS4-related condition.

Submission:

PreventionGenetics, part of Exact Sciences
Classification: Uncertain significance for BBS4-related condition. Last evaluated: 2024-05-08. Review status: no assertion criteria provided. Collection method: clinical testing. Allele origin: germline.
Comment: The BBS4 c.326G>C variant is predicted to result in the amino acid substitution p.Arg109Thr. To our knowledge, this variant has not been reported in the literature or in a large population database, indicating this variant is rare. At this time, the clinical significance of this variant is uncertain due to the absence of conclusive functional and genetic evidence.

NM_033028.5(BBS4):c.326G>C (p.Arg109Thr)

Gene: BBS4 (Bardet-Biedl syndrome 4; plus strand). Cytogenetic location: 15q24.1.
Variant type: single nucleotide variant.
Coding change: c.326G>C on transcript NM_033028.5 (MANE Select); coding-DNA position 326, G replaced by C.
Protein change: p.Arg109Thr; replaces arginine 109 with threonine.
Molecular consequence: missense variant. On other transcripts: 5 prime UTR variant (1), non-coding transcript variant (2).
Genome position (GRCh38, 1-based): chr15:72,715,396, G>C. VCF-style: chr15-72715396-G-C. GRCh37 (hg19) VCF-style: chr15-73007737-G-C.
Other names: c.-196G>C (NM_001252678.2); c.326G>C, p.Arg109Thr (NM_001320665.2); short protein forms R109T.
Identifiers: ClinVar variation 3349337 (VCV003349337.1).